The following is an entry in ClinVar:

ClinVar aggregate classification (germline): Uncertain significance (1 of 4 stars; one submission).

Conditions:
3-hydroxy-3-methylglutaryl-CoA synthase deficiency (HMGCS2D). Also called: HMGCS2 DEFICIENCY; HMG-CoA synthase-2 deficiency; MITOCHONDRIAL HMG-CoA SYNTHASE DEFICIENCY. Identifiers: Orphanet 35701, MedGen C2751532, MONDO:0011614, OMIM 605911.

Allele frequency attached by ClinVar (database versions not stated): TOPMed below 0.00001.

Submission:

Labcorp Genetics (formerly Invitae), Labcorp
Classification: Uncertain significance for 3-hydroxy-3-methylglutaryl-CoA synthase deficiency. Last evaluated: 2024-05-07. Review status: criteria provided, single submitter. Criteria: Invitae Variant Classification Sherloc (09022015). Collection method: clinical testing. Allele origin: germline.
Comment: This sequence change replaces valine, which is neutral and non-polar, with alanine, which is neutral and non-polar, at codon 439 of the HMGCS2 protein (p.Val439Ala). This variant is not present in population databases (gnomAD no frequency). This variant has not been reported in the literature in individuals affected with HMGCS2-related conditions. ClinVar contains an entry for this variant (Variation ID: 2125133). Advanced modeling of protein sequence and biophysical properties (such as structural, functional, and spatial information, amino acid conservation, physicochemical variation, residue mobility, and thermodynamic stability) performed at Invitae indicates that this missense variant is not expected to disrupt HMGCS2 protein function with a negative predictive value of 80%. In summary, the available evidence is currently insufficient to determine the role of this variant in disease. Therefore, it has been classified as a Variant of Uncertain Significance.

NM_005518.4(HMGCS2):c.1316T>C (p.Val439Ala)

Gene: HMGCS2 (3-hydroxy-3-methylglutaryl-CoA synthase 2; minus strand). Cytogenetic location: 1p12.
Variant type: single nucleotide variant.
Coding change: c.1316T>C on transcript NM_005518.4 (MANE Select); coding-DNA position 1316, T replaced by C.
Protein change: p.Val439Ala; replaces valine 439 with alanine.
Molecular consequence: missense variant.
Genome position (GRCh38, 1-based): chr1:119,752,653, A>G on the plus strand (T>C on the coding strand, the complement: HMGCS2 is on the minus strand). VCF-style: chr1-119752653-A-G. GRCh37 (hg19) VCF-style: chr1-120295276-A-G.
Other names: c.1190T>C, p.Val397Ala (NM_001166107.1); short protein forms V397A, V439A.
Identifiers: ClinVar variation 2125133 (VCV002125133.4), dbSNP rs1652699823, ClinGen allele CA341857563.
Genomic context (GRCh38, chr1:119,752,653, plus strand): 5'-TCCTCAGGAGACACACACTTTCGGGAGGCTAGGCGTTTTGGCAGGTCTGATGTGCTGGAC[A>G]CCAACTTGTCCAGGGGAGAGCCTGGGAAGCAAAAGCAAGATTGTTACACCTTTTTCATTG-3'
Protein context (NP_005509.1, residues 429-449): AAPGSPLDKL[Val439Ala]SSTSDLPKRL